The following is an entry in ClinVar:

NM_014641.3(MDC1):c.2526A>T (p.Arg842Ser)

Genes: MDC1 (mediator of DNA damage checkpoint 1; minus strand), MDC1-AS1 (MDC1 antisense RNA 1; plus strand). Cytogenetic location: 6p21.33.
Variant type: single nucleotide variant.
Coding change: c.2526A>T on transcript NM_014641.3 (MANE Select); coding-DNA position 2526, A replaced by T.
Protein change: p.Arg842Ser; replaces arginine 842 with serine.
Molecular consequence: missense variant.
Genome position (GRCh38, 1-based): chr6:30,708,053, T>A on the plus strand (A>T on the coding strand, the complement: MDC1 is on the minus strand). VCF-style: chr6-30708053-T-A. GRCh37 (hg19) VCF-style: chr6-30675830-T-A.
Other names: NC_000006.11:g.30675830T>A; short protein forms R842S.
Identifiers: ClinVar variation 4083607 (VCV004083607.9).
Genomic context (GRCh38, chr6:30,708,053, plus strand): 5'-TTTTTGTTCTCTGTCCTGTTTCCCCTTGGTTAATTCTTCCTCTCCTGTCACATCTGTCTG[T>A]CTTTCTGGTAGCAGTTTCTCAGTTTCTCTCTCCAATGGCCCTCTCTCAGGGCCCACCCTC-3'
Protein context (NP_055456.2, residues 832-852): ERETEKLLPE[Arg842Ser]QTDVTGEEEL

ClinVar aggregate classification (germline): Benign (1 of 4 stars; one submission).

gnomAD v4.1: 15,219 of 1,613,094 alleles (0.94%); highest among the groups gnomAD compares: Middle Eastern, 3.2%; 107 homozygotes.

Submissions (13):

CeGaT Center for Human Genetics Tuebingen
Classification: Benign. Last evaluated: 2025-07-01. Review status: criteria provided, single submitter. Criteria: CeGaT Center For Human Genetics Tuebingen Variant Classification Criteria Version 2. Collection method: clinical testing. Allele origin: germline. Affected: yes. Observed: 1 variant allele.
Comment: MDC1: BP4, BS1, BS2

Dr. Peter K. Rogan Lab, Western University
No classification provided (evidence only). Condition: Melanoma. Review status: no classification provided. Collection method: in vitro. Allele origin: not applicable. Functional consequence: skipped exon, retained intron. Not counted in ClinVar's aggregate classification.

Dr. Peter K. Rogan Lab, Western University
No classification provided (evidence only). Condition: Melanoma. Review status: no classification provided. Collection method: in vitro. Allele origin: not applicable. Functional consequence: retained intron. Not counted in ClinVar's aggregate classification.

Dr. Peter K. Rogan Lab, Western University
No classification provided (evidence only). Condition: Uterine corpus endometrial carcinoma. Review status: no classification provided. Collection method: in vitro. Allele origin: not applicable. Functional consequence: skipped exon. Not counted in ClinVar's aggregate classification.

Dr. Peter K. Rogan Lab, Western University
No classification provided (evidence only). Condition: Uterine corpus endometrial carcinoma. Review status: no classification provided. Collection method: in vitro. Allele origin: not applicable. Functional consequence: retained intron. Not counted in ClinVar's aggregate classification.

Dr. Peter K. Rogan Lab, Western University
No classification provided (evidence only). Condition: Sarcoma. Review status: no classification provided. Collection method: in vitro. Allele origin: not applicable. Functional consequence: skipped exon, retained intron. Not counted in ClinVar's aggregate classification.

Dr. Peter K. Rogan Lab, Western University
No classification provided (evidence only). Condition: Sarcoma. Review status: no classification provided. Collection method: in vitro. Allele origin: not applicable. Functional consequence: skipped exon. Not counted in ClinVar's aggregate classification.

Dr. Peter K. Rogan Lab, Western University
No classification provided (evidence only). Condition: Hepatocellular carcinoma. Review status: no classification provided. Collection method: in vitro. Allele origin: not applicable. Functional consequence: skipped exon. Not counted in ClinVar's aggregate classification.

Dr. Peter K. Rogan Lab, Western University
No classification provided (evidence only). Condition: Nonpapillary renal cell carcinoma. Review status: no classification provided. Collection method: in vitro. Allele origin: not applicable. Functional consequence: retained intron. Not counted in ClinVar's aggregate classification.

Dr. Peter K. Rogan Lab, Western University
No classification provided (evidence only). Condition: Ovarian serous cystadenocarcinoma. Review status: no classification provided. Collection method: in vitro. Allele origin: not applicable. Functional consequence: skipped exon, retained intron. Not counted in ClinVar's aggregate classification.

Dr. Peter K. Rogan Lab, Western University
No classification provided (evidence only). Condition: Malignant tumor of esophagus. Review status: no classification provided. Collection method: in vitro. Allele origin: not applicable. Functional consequence: retained intron. Not counted in ClinVar's aggregate classification.

Dr. Peter K. Rogan Lab, Western University
No classification provided (evidence only). Condition: Malignant tumor of esophagus. Review status: no classification provided. Collection method: in vitro. Allele origin: not applicable. Functional consequence: retained intron. Not counted in ClinVar's aggregate classification.

Dr. Peter K. Rogan Lab, Western University
No classification provided (evidence only). Condition: Malignant tumor of esophagus. Review status: no classification provided. Collection method: in vitro. Allele origin: not applicable. Functional consequence: retained intron. Not counted in ClinVar's aggregate classification.